The following is an entry in ClinVar:

NM_014915.3(ANKRD26):c.2816A>G (p.Glu939Gly)

Gene: ANKRD26 (ankyrin repeat domain 26; minus strand). Cytogenetic location: 10p12.1.
Variant type: single nucleotide variant.
Coding change: c.2816A>G on transcript NM_014915.3 (MANE Select); coding-DNA position 2816, A replaced by G.
Protein change: p.Glu939Gly; replaces glutamic acid 939 with glycine.
Molecular consequence: missense variant.
Genome position (GRCh38, 1-based): chr10:27,035,634, T>C on the plus strand (A>G on the coding strand, the complement: ANKRD26 is on the minus strand). VCF-style: chr10-27035634-T-C. GRCh37 (hg19) VCF-style: chr10-27324563-T-C.
Other names: c.2813A>G, p.Glu938Gly (NM_001256053.2); short protein forms E938G, E939G.
Identifiers: ClinVar variation 5023623 (VCV005023623.1).
Genomic context (GRCh38, chr10:27,035,634, plus strand): 5'-GTCTTCTGAAGGTCTTCATTCTTTTCTTTTACAATTTTAAGGTCCTCAAAACATTTCTTT[T>C]CTTTTTCCTGGTTTTGATTTTTTATTGTGTCTATTTCTAGTCTTAGCATAGCAATTTCTT-3'
Protein context (NP_055730.2, residues 929-949): DTIKNQNQEK[Glu939Gly]KKCFEDLKIV

ClinVar aggregate classification (germline): Uncertain significance (1 of 4 stars; one submission).

Conditions:
Inborn genetic diseases. Identifiers: MedGen C0950123, MeSH D030342.

Submission:

Ambry Genetics
Classification: Uncertain significance for Inborn genetic diseases. Last evaluated: 2026-08-23. Review status: criteria provided, single submitter. Criteria: Ambry Variant Classification Scheme 2023. Collection method: clinical testing. Allele origin: germline.
Comment: The p.E939G variant (also known as c.2816A>G), located in coding exon 24 of the ANKRD26 gene, results from an A to G substitution at nucleotide position 2816. The glutamic acid at codon 939 is replaced by glycine, an amino acid with similar properties. This amino acid position is conserved. In addition, this alteration is predicted to be tolerated by in silico analysis. Based on the available evidence, the clinical significance of this variant remains unclear.